The following is an entry in ClinVar:

ClinVar aggregate classification (germline): Uncertain significance (1 of 4 stars; one submission).

Submission:

Labcorp Genetics (formerly Invitae), Labcorp
Classification: Uncertain significance. Last evaluated: 2024-03-12. Review status: criteria provided, single submitter. Criteria: Invitae Variant Classification Sherloc (09022015). Collection method: clinical testing. Allele origin: germline.
Comment: This sequence change replaces lysine, which is basic and polar, with glutamic acid, which is acidic and polar, at codon 955 of the AP3D1 protein (p.Lys955Glu). This variant is not present in population databases (gnomAD no frequency). This variant has not been reported in the literature in individuals affected with AP3D1-related conditions. An algorithm developed to predict the effect of missense changes on protein structure and function (PolyPhen-2) suggests that this variant is likely to be tolerated. In summary, the available evidence is currently insufficient to determine the role of this variant in disease. Therefore, it has been classified as a Variant of Uncertain Significance.

NM_001261826.3(AP3D1):c.2863A>G (p.Lys955Glu)

Gene: AP3D1 (adaptor related protein complex 3 subunit delta 1; minus strand). Cytogenetic location: 19p13.3.
Variant type: single nucleotide variant.
Coding change: c.2863A>G on transcript NM_001261826.3 (MANE Select); coding-DNA position 2863, A replaced by G.
Protein change: p.Lys955Glu; replaces lysine 955 with glutamic acid.
Molecular consequence: missense variant.
Genome position (GRCh38, 1-based): chr19:2,111,753, T>C on the plus strand (A>G on the coding strand, the complement: AP3D1 is on the minus strand). VCF-style: chr19-2111753-T-C. GRCh37 (hg19) VCF-style: chr19-2111752-T-C.
Other names: c.2827A>G, p.Lys943Glu (NM_001374799.1); c.2677A>G, p.Lys893Glu (NM_003938.8); short protein forms K943E, K893E, K955E.
Identifiers: ClinVar variation 3637071 (VCV003637071.2).